The following is an entry in ClinVar:

NM_006531.5(IFT88):c.1636G>A (p.Ala546Thr)

Gene: IFT88 (intraflagellar transport 88; plus strand). Cytogenetic location: 13q12.11.
Variant type: single nucleotide variant.
Coding change: c.1636G>A on transcript NM_006531.5 (MANE Select); coding-DNA position 1636, G replaced by A.
Protein change: p.Ala546Thr; replaces alanine 546 with threonine.
Molecular consequence: missense variant. On other transcripts: non-coding transcript variant (4).
Genome position (GRCh38, 1-based): chr13:20,641,352, G>A. VCF-style: chr13-20641352-G-A. GRCh37 (hg19) VCF-style: chr13-21215491-G-A.
Other names: c.1579G>A, p.Ala527Thr (NM_001318491.2, NM_001353575.2); c.1663G>A, p.Ala555Thr (NM_001318493.2, NM_001353565.2, NM_001353566.2 and 2 more transcripts); c.1636G>A, p.Ala546Thr (NM_001353568.2, NM_001353572.2); c.1561G>A, p.Ala521Thr (NM_001353569.2, NM_001353570.2, NM_001353576.2 and 1 more transcripts); c.1534G>A, p.Ala512Thr (NM_001353571.2, NM_001353578.2); c.1492G>A, p.Ala498Thr (NM_001353573.2); c.1477G>A, p.Ala493Thr (NM_001353574.2); c.1003G>A, p.Ala335Thr (NM_001353579.2); and 1 more; short protein forms A498T, A521T, A512T, A555T, A335T, A493T, A527T, A546T.
Identifiers: ClinVar variation 1426000 (VCV001426000.7), dbSNP rs146264538, ClinGen allele CA6905480.

ClinVar aggregate classification (germline): Uncertain significance. Review status: criteria provided, multiple submitters, no conflicts (2 of 4 stars). 2 submissions from 2 submitters: Uncertain significance (2). Last evaluated 2025-12-26.

Allele frequency attached by ClinVar (database versions not stated): ExAC 0.00009; gnomAD 0.00009; gnomAD exomes 0.00009; TOPMed 0.00011; 1000 Genomes Project 30x 0.00016; 1000 Genomes Project 0.00020; ESP Exome Variant Server 0.00023.
gnomAD v4.1: 367 of 1,612,178 alleles (0.023%); highest among the groups gnomAD compares: Non-Finnish European, 0.029%; no homozygotes.

Submissions (2):

Labcorp Genetics (formerly Invitae), Labcorp
Classification: Uncertain significance. Last evaluated: 2025-12-26. Review status: criteria provided, single submitter. Criteria: Invitae Variant Classification Sherloc (09022015). Collection method: clinical testing. Allele origin: germline.
Comment: This sequence change replaces alanine, which is neutral and non-polar, with threonine, which is neutral and polar, at codon 555 of the IFT88 protein (p.Ala555Thr). This variant is present in population databases (rs146264538, gnomAD 0.02%). This variant has not been reported in the literature in individuals affected with IFT88-related conditions. ClinVar contains an entry for this variant (Variation ID: 1426000). An algorithm developed to predict the effect of missense changes on protein structure and function (PolyPhen-2) suggests that this variant is likely to be tolerated. In summary, the available evidence is currently insufficient to determine the role of this variant in disease. Therefore, it has been classified as a Variant of Uncertain Significance.

Ambry Genetics
Classification: Uncertain significance. Last evaluated: 2025-08-25. Review status: criteria provided, single submitter. Criteria: Ambry Variant Classification Scheme 2023. Collection method: clinical testing. Allele origin: germline.